The following is an entry in ClinVar:

ClinVar aggregate classification (germline): Uncertain significance (1 of 4 stars; one submission).

Allele frequency attached by ClinVar (database versions not stated): TOPMed 0.00001.

Submission:

Labcorp Genetics (formerly Invitae), Labcorp
Classification: Uncertain significance. Last evaluated: 2022-08-10. Review status: criteria provided, single submitter. Criteria: Invitae Variant Classification Sherloc (09022015). Collection method: clinical testing. Allele origin: germline.
Comment: Algorithms developed to predict the effect of missense changes on protein structure and function output the following: SIFT: "Tolerated"; PolyPhen-2: "Benign"; Align-GVGD: "Class C0". The threonine amino acid residue is found in multiple mammalian species, which suggests that this missense change does not adversely affect protein function. In summary, the available evidence is currently insufficient to determine the role of this variant in disease. Therefore, it has been classified as a Variant of Uncertain Significance. This variant is not present in population databases (gnomAD no frequency). This variant has not been reported in the literature in individuals affected with TRPM1-related conditions. This sequence change replaces alanine, which is neutral and non-polar, with threonine, which is neutral and polar, at codon 23 of the TRPM1 protein (p.Ala23Thr).

NM_001252024.2(TRPM1):c.133G>A (p.Ala45Thr)

Gene: TRPM1 (transient receptor potential cation channel subfamily M member 1; minus strand). Cytogenetic location: 15q13.3.
Variant type: single nucleotide variant.
Coding change: c.133G>A on transcript NM_001252024.2 (MANE Select); coding-DNA position 133, G replaced by A.
Protein change: p.Ala45Thr; replaces alanine 45 with threonine.
Molecular consequence: missense variant.
Genome position (GRCh38, 1-based): chr15:31,070,177, C>T on the plus strand (G>A on the coding strand, the complement: TRPM1 is on the minus strand). VCF-style: chr15-31070177-C-T. GRCh37 (hg19) VCF-style: chr15-31362380-C-T.
Other names: c.184G>A, p.Ala62Thr (NM_001252020.2); c.67G>A, p.Ala23Thr (NM_001252030.2, NM_002420.6); short protein forms A23T, A45T, A62T.
Identifiers: ClinVar variation 2111580 (VCV002111580.4), dbSNP rs776269372, ClinGen allele CA391537489.